The following is an entry in ClinVar:

NM_001080466.2(BTBD17):c.1101C>A (p.Val367=)

Gene: BTBD17 (BTB domain containing 17; minus strand). Cytogenetic location: 17q25.1.
Variant type: single nucleotide variant.
Coding change: c.1101C>A on transcript NM_001080466.2 (MANE Select); coding-DNA position 1101, C replaced by A.
Protein change: p.Val367=; no amino-acid change (valine 367 retained).
Molecular consequence: synonymous variant.
Genome position (GRCh38, 1-based): chr17:74,356,993, G>T on the plus strand (C>A on the coding strand, the complement: BTBD17 is on the minus strand). VCF-style: chr17-74356993-G-T. GRCh37 (hg19) VCF-style: chr17-72353132-G-T.
Identifiers: ClinVar variation 2648208 (VCV002648208.24), dbSNP rs2509857739, ClinGen allele CA502030016.

ClinVar aggregate classification (germline): Likely benign (1 of 4 stars; one submission).

Submission:

CeGaT Center for Human Genetics Tuebingen
Classification: Likely benign. Last evaluated: 2026-08-01. Review status: criteria provided, single submitter. Criteria: CeGaT Center For Human Genetics Tuebingen Variant Classification Criteria Version 2. Collection method: clinical testing. Allele origin: germline. Affected: yes. Observed: 6 variant alleles.
Comment: BTBD17: PM2:Supporting, BP4, BP7